The following is an entry in ClinVar:

NM_001375808.2(LPIN2):c.359C>A (p.Thr120Asn)

Gene: LPIN2 (lipin 2; minus strand). Cytogenetic location: 18p11.31.
Variant type: single nucleotide variant.
Coding change: c.359C>A on transcript NM_001375808.2 (MANE Select); coding-DNA position 359, C replaced by A.
Protein change: p.Thr120Asn; replaces threonine 120 with asparagine.
Molecular consequence: missense variant.
Genome position (GRCh38, 1-based): chr18:2,951,286, G>T on the plus strand (C>A on the coding strand, the complement: LPIN2 is on the minus strand). VCF-style: chr18-2951286-G-T. GRCh37 (hg19) VCF-style: chr18-2951284-G-T.
Other names: c.359C>A, p.Thr120Asn (NM_001375809.1, NM_014646.2); short protein forms T120N.
Identifiers: ClinVar variation 1694312 (VCV001694312.7), dbSNP rs562075898, ClinGen allele CA8873573.

ClinVar aggregate classification (germline): Uncertain significance. Review status: criteria provided, multiple submitters, no conflicts (2 of 4 stars). 2 submissions from 2 submitters: Uncertain significance (2). Last evaluated 2022-01-21.

Conditions:
Autoinflammatory syndrome. Identifiers: Orphanet 93665, MedGen C3890737, MONDO:0019751.
Majeed syndrome (MJDS). Also called: CHRONIC RECURRENT MULTIFOCAL OSTEOMYELITIS 1, WITH CONGENITAL DYSERYTHROPOIETIC ANEMIA, WITH OR WITHOUT NEUTROPHILIC DERMATOSIS; LPIN2-Related Majeed Syndrome. Identifiers: Orphanet 77297, MedGen C1864997, MONDO:0012316, OMIM 609628.

Allele frequency attached by ClinVar (database versions not stated): gnomAD 0.00001; TOPMed 0.00001; ExAC 0.00002; 1000 Genomes Project 30x 0.00016; 1000 Genomes Project 0.00020.
gnomAD v4.1: 14 of 1,614,120 alleles (0.00087%); highest among the groups gnomAD compares: East Asian, 0.027%; no homozygotes.

Submissions (2):

Labcorp Genetics (formerly Invitae), Labcorp
Classification: Uncertain significance for Majeed syndrome. Last evaluated: 2022-01-21. Review status: criteria provided, single submitter. Criteria: Invitae Variant Classification Sherloc (09022015). Collection method: clinical testing. Allele origin: germline.
Comment: Algorithms developed to predict the effect of missense changes on protein structure and function (SIFT, PolyPhen-2, Align-GVGD) all suggest that this variant is likely to be tolerated. This sequence change replaces threonine, which is neutral and polar, with asparagine, which is neutral and polar, at codon 120 of the LPIN2 protein (p.Thr120Asn). This variant is present in population databases (rs562075898, gnomAD 0.04%). This variant has not been reported in the literature in individuals affected with LPIN2-related conditions. In summary, the available evidence is currently insufficient to determine the role of this variant in disease. Therefore, it has been classified as a Variant of Uncertain Significance.

Genome Diagnostics Laboratory, The Hospital for Sick Children
Classification: Uncertain significance for Autoinflammatory syndrome. Last evaluated: 2016-12-12. Review status: criteria provided, single submitter. Criteria: ACMG Guidelines, 2015. Collection method: clinical testing. Allele origin: germline. Affected: yes.